The following is an entry in ClinVar:

NM_001374623.1(PNPLA1):c.1469+1G>A

Gene: PNPLA1 (patatin like domain 1, omega-hydroxyceramide transacylase; plus strand). Cytogenetic location: 6p21.31.
Variant type: single nucleotide variant.
Coding change: c.1469+1G>A on transcript NM_001374623.1 (MANE Select); the canonical splice donor site of the intron after coding-DNA position 1469, G replaced by A.
Molecular consequence: splice donor variant.
Genome position (GRCh38, 1-based): chr6:36,306,377, G>A. VCF-style: chr6-36306377-G-A. GRCh37 (hg19) VCF-style: chr6-36274154-G-A.
Other names: c.1211+1G>A (NM_001145716.2); c.1184+1G>A (NM_173676.2); c.1469+1G>A (NM_001145717.1).
Identifiers: ClinVar variation 4849377 (VCV004849377.3).

ClinVar aggregate classification (germline): Likely pathogenic. Review status: criteria provided, multiple submitters, no conflicts (2 of 4 stars). 2 submissions from 2 submitters: Likely pathogenic (2). Last evaluated 2025-07-15.

Conditions:
Autosomal recessive congenital ichthyosis 10 (ARCI10). Identifiers: Orphanet 79394, MedGen C3554355, MONDO:0014011, OMIM 615024.

gnomAD v4.1: 4 of 1,606,994 alleles (0.00025%); highest among the groups gnomAD compares: Non-Finnish European, 0.000085%; no homozygotes.

Submissions (2):

First Genomix Gene Laboratory, Genetic Diagnostics Department
Classification: Likely pathogenic for Autosomal recessive congenital ichthyosis 10. Last evaluated: 2025-07-15. Review status: criteria provided, single submitter. Criteria: ACMG Guidelines, 2015. Collection method: clinical testing. Allele origin: germline. Inheritance: Autosomal recessive inheritance. Affected: no. Observed: 1 variant allele.

Juno Genomics, Hangzhou Juno Genomics, Inc
Classification: Likely pathogenic for Autosomal recessive congenital ichthyosis 10. Review status: criteria provided, single submitter. Criteria: ACMG Guidelines, 2015. Collection method: clinical testing. Allele origin: germline.
Comment: Absent from controls (or at extremely low frequency if recessive) in Genome Aggregation Database.;Null variant in a gene where loss of function (LOF) is a known mechanism of disease.